The following is an entry in ClinVar:

ClinVar aggregate classification (germline): Uncertain significance (1 of 4 stars; one submission).

Submission:

GeneDx
Classification: Uncertain significance. Last evaluated: 2023-03-03. Review status: criteria provided, single submitter. Criteria: GeneDx Variant Classification Process June 2021. Collection method: clinical testing. Allele origin: germline. Affected: yes.
Comment: Not observed at significant frequency in large population cohorts (gnomAD); In silico analysis supports that this missense variant has a deleterious effect on protein structure/function; Has not been previously published as pathogenic or benign to our knowledge

NM_021956.5(GRIK2):c.688T>C (p.Cys230Arg)

Gene: GRIK2 (glutamate ionotropic receptor kainate type subunit 2; plus strand). Cytogenetic location: 6q16.3.
Variant type: single nucleotide variant.
Coding change: c.688T>C on transcript NM_021956.5 (MANE Select); coding-DNA position 688, T replaced by C.
Protein change: p.Cys230Arg; replaces cysteine 230 with arginine.
Molecular consequence: missense variant.
Genome position (GRCh38, 1-based): chr6:101,676,769, T>C. VCF-style: chr6-101676769-T-C. GRCh37 (hg19) VCF-style: chr6-102124644-T-C.
Other names: c.688T>C, p.Cys230Arg (NM_001166247.1, NM_175768.3); short protein forms C230R.
Identifiers: ClinVar variation 2578121 (VCV002578121.1), dbSNP rs2483335903, ClinGen allele CA365305896.